The following is an entry in ClinVar:

NM_016169.4(SUFU):c.683+3G>A

Gene: SUFU (SUFU negative regulator of hedgehog signaling; plus strand). Cytogenetic location: 10q24.32.
Variant type: single nucleotide variant.
Coding change: c.683+3G>A on transcript NM_016169.4 (MANE Select); 3 bases into the intron after coding-DNA position 683, G replaced by A.
Molecular consequence: intron variant.
Genome position (GRCh38, 1-based): chr10:102,593,724, G>A. VCF-style: chr10-102593724-G-A. GRCh37 (hg19) VCF-style: chr10-104353481-G-A.
Other names: c.683+3G>A (NM_001178133.2).
Identifiers: ClinVar variation 826652 (VCV000826652.8), dbSNP rs1590062961, ClinGen allele CA915947557.

ClinVar aggregate classification (germline): Conflicting classifications of pathogenicity. Review status: criteria provided, conflicting classifications (1 of 4 stars). 2 submissions from 2 submitters: Uncertain significance (1); Likely benign (1). Last evaluated 2024-04-08.

Conditions:
Hereditary cancer-predisposing syndrome. Also called: Neoplastic Syndromes, Hereditary; Hereditary Cancer Syndrome; Hereditary neoplastic syndrome; Tumor predisposition. Identifiers: Orphanet 140162, MedGen C0027672, MeSH D009386, MONDO:0015356.
Gorlin syndrome. Also called: Nevoid Basal Cell Carcinoma Syndrome; Basal cell nevus syndrome. Identifiers: Orphanet 377, MedGen C0004779, MONDO:0007187.
Medulloblastoma (MDB). Also called: MEDULLOBLASTOMA PREDISPOSITION SYNDROME; Medulloblastoma, somatic. Identifiers: Orphanet 616, MedGen C0025149, MeSH D008527, MONDO:0007959, OMIM 155255, HP:0002885.

Submissions (2):

Ambry Genetics
Classification: Uncertain significance for Hereditary cancer-predisposing syndrome. Last evaluated: 2024-04-08. Review status: criteria provided, single submitter. Criteria: Ambry Variant Classification Scheme 2023. Collection method: clinical testing. Allele origin: germline.
Comment: The c.683+3G>A intronic variant results from a G to A substitution 3 nucleotides after coding exon 5 in the SUFU gene. This nucleotide position is not well conserved in available vertebrate species. In silico splice site analysis predicts that this alteration will not have any significant effect on splicing; however, direct evidence is insufficient at this time (Ambry internal data). Based on the available evidence, the clinical significance of this variant remains unclear.

Labcorp Genetics (formerly Invitae), Labcorp
Classification: Likely benign for Gorlin syndrome; Medulloblastoma. Last evaluated: 2023-08-10. Review status: criteria provided, single submitter. Criteria: Invitae Variant Classification Sherloc (09022015). Collection method: clinical testing. Allele origin: germline.